The following is an entry in ClinVar:

ClinVar aggregate classification (germline): Uncertain significance (1 of 4 stars; one submission).

Conditions:
Severe combined immunodeficiency due to DNA-PKcs deficiency. Also called: IMMUNODEFICIENCY 26 WITH NEUROLOGIC ABNORMALITIES; Immunodeficiency 26 with or without neurologic abnormalities. Identifiers: Orphanet 317425, MedGen C4014833, MONDO:0014423, OMIM 615966.

gnomAD v4.1: 3 of 1,613,780 alleles (0.00019%); highest among the groups gnomAD compares: Non-Finnish European, 0.00025%; no homozygotes.

Submission:

Labcorp Genetics (formerly Invitae), Labcorp
Classification: Uncertain significance for Severe combined immunodeficiency due to DNA-PKcs deficiency. Last evaluated: 2024-12-30. Review status: criteria provided, single submitter. Criteria: Invitae Variant Classification Sherloc (09022015). Collection method: clinical testing. Allele origin: germline.
Comment: This sequence change falls in intron 11 of the PRKDC gene. It does not directly change the encoded amino acid sequence of the PRKDC protein. It affects a nucleotide within the consensus splice site. This variant is present in population databases (rs750218345, gnomAD 0.0009%). This variant has not been reported in the literature in individuals affected with PRKDC-related conditions. Variants that disrupt the consensus splice site are a relatively common cause of aberrant splicing (PMID: 17576681, 9536098). Algorithms developed to predict the effect of sequence changes on RNA splicing suggest that this variant is not likely to affect RNA splicing. In summary, the available evidence is currently insufficient to determine the role of this variant in disease. Therefore, it has been classified as a Variant of Uncertain Significance.

Literature cited by the submitters: PubMed 17576681; PubMed 9536098.

NM_006904.7(PRKDC):c.1114-3A>C

Gene: PRKDC (protein kinase, DNA-activated, catalytic subunit; minus strand). Cytogenetic location: 8q11.21.
Variant type: single nucleotide variant.
Coding change: c.1114-3A>C on transcript NM_006904.7 (MANE Select); 3 bases into the intron before coding-DNA position 1114, A replaced by C.
Molecular consequence: intron variant.
Genome position (GRCh38, 1-based): chr8:47,936,520, T>G on the plus strand (A>C on the coding strand, the complement: PRKDC is on the minus strand). VCF-style: chr8-47936520-T-G. GRCh37 (hg19) VCF-style: chr8-48849080-T-G.
Other names: c.1114-3A>C (NM_001081640.2).
Identifiers: ClinVar variation 3716035 (VCV003716035.1).
Genomic context (GRCh38, chr8:47,936,520, plus strand): 5'-GCTGAATGAGCTCAACGTACATGAAGTCAACATCTTTTGCGTTTATAACCTTGCACGGCT[T>G]TAGAAAAGGTAAAACAGAAGTCTTCATCAATCTTATCAAGATCAAAATAATATTTAAGGT-3'